The following is an entry in ClinVar:

NM_144997.7(FLCN):c.865C>T (p.Leu289Phe)

Gene: FLCN (folliculin; minus strand). Cytogenetic location: 17p11.2.
Variant type: single nucleotide variant.
Coding change: c.865C>T on transcript NM_144997.7 (MANE Select); coding-DNA position 865, C replaced by T.
Protein change: p.Leu289Phe; replaces leucine 289 with phenylalanine.
Molecular consequence: missense variant.
Genome position (GRCh38, 1-based): chr17:17,221,543, G>A on the plus strand (C>T on the coding strand, the complement: FLCN is on the minus strand). VCF-style: chr17-17221543-G-A. GRCh37 (hg19) VCF-style: chr17-17124857-G-A.
Other names: c.919C>T, p.Leu307Phe (NM_001353229.2); c.865C>T, p.Leu289Phe (NM_001353230.2, NM_001353231.2, NM_144606.7); short protein forms L289F, L307F.
Identifiers: ClinVar variation 1764214 (VCV001764214.2), dbSNP rs2544219109, ClinGen allele CA398533620.
Genomic context (GRCh38, chr17:17,221,543, plus strand): 5'-TACCGCCCCACGGCCATCCGGGCCAAGGCCCCGGCAACAGCACCCCTGCCTCACCAGCGA[G>A]CTTCTCCATCTGGACCAAGGTATCCTCGGTCGGAGCACCTTCCAGGAGCTTCTCGGTCAG-3'
Protein context (NP_659434.2, residues 279-299): TEDTLVQMEK[Leu289Phe]ADLEEESESW

ClinVar aggregate classification (germline): Uncertain significance (1 of 4 stars; one submission).

Conditions:
Hereditary cancer-predisposing syndrome. Also called: Neoplastic Syndromes, Hereditary; Tumor predisposition; Hereditary Cancer Syndrome; Hereditary neoplastic syndrome. Identifiers: Orphanet 140162, MedGen C0027672, MeSH D009386, MONDO:0015356.

Submission:

Ambry Genetics
Classification: Uncertain significance for Hereditary cancer-predisposing syndrome. Last evaluated: 2022-01-26. Review status: criteria provided, single submitter. Criteria: Ambry Variant Classification Scheme 2023. Collection method: clinical testing. Allele origin: germline.
Comment: The p.L289F variant (also known as c.865C>T), located in coding exon 5 of the FLCN gene, results from a C to T substitution at nucleotide position 865. The leucine at codon 289 is replaced by phenylalanine, an amino acid with highly similar properties. This amino acid position is conserved. In addition, the in silico prediction for this alteration is inconclusive. Since supporting evidence is limited at this time, the clinical significance of this alteration remains unclear.